The following is an entry in ClinVar:

ClinVar aggregate classification (germline): Likely benign (1 of 4 stars; one submission).

Allele frequency attached by ClinVar (database versions not stated): gnomAD exomes 0.00001.
gnomAD v4.1: 5 of 1,614,108 alleles (0.00031%); highest among the groups gnomAD compares: South Asian, 0.0044%; no homozygotes.

Submission:

CeGaT Center for Human Genetics Tuebingen
Classification: Likely benign. Last evaluated: 2023-02-01. Review status: criteria provided, single submitter. Criteria: CeGaT Center For Human Genetics Tuebingen Variant Classification Criteria Version 2. Collection method: clinical testing. Allele origin: germline. Affected: yes. Observed: 1 variant allele.
Comment: ALPK1: BP4, BP7

NM_025144.4(ALPK1):c.1272C>T (p.Phe424=)

Gene: ALPK1 (alpha kinase 1; plus strand). Cytogenetic location: 4q25.
Variant type: single nucleotide variant.
Coding change: c.1272C>T on transcript NM_025144.4 (MANE Select); coding-DNA position 1272, C replaced by T.
Protein change: p.Phe424=; no amino-acid change (phenylalanine 424 retained).
Molecular consequence: synonymous variant.
Genome position (GRCh38, 1-based): chr4:112,430,819, C>T. VCF-style: chr4-112430819-C-T. GRCh37 (hg19) VCF-style: chr4-113351975-C-T.
Other names: c.1272C>T, p.Phe424= (NM_001102406.2); c.1038C>T, p.Phe346= (NM_001253884.2).
Identifiers: ClinVar variation 2655028 (VCV002655028.24), dbSNP rs1300534146, ClinGen allele CA440872798.